The following is an entry in ClinVar:

ClinVar aggregate classification (germline): Conflicting classifications of pathogenicity. Review status: criteria provided, conflicting classifications (1 of 4 stars). 2 submissions from 2 submitters: Uncertain significance (1); Likely benign (1). Last evaluated 2023-03-23.

Conditions:
Hereditary cancer-predisposing syndrome. Also called: Neoplastic Syndromes, Hereditary; Hereditary Cancer Syndrome; Hereditary neoplastic syndrome; Tumor predisposition. Identifiers: Orphanet 140162, MedGen C0027672, MeSH D009386, MONDO:0015356.
Hereditary breast ovarian cancer syndrome. Also called: Hereditary breast and/or ovarian cancer syndrome; Breast and ovarian cancer; BRCA1- and BRCA2-Associated Hereditary Breast and Ovarian Cancer; Hereditary breast and ovarian cancer syndrome; Hereditary breast and ovarian cancer syndrome (HBOC); Hereditary breast and ovarian cancer. Identifiers: Orphanet 145, MedGen C0677776, MeSH D061325, MONDO:0003582. Disease mechanism: loss of function.

Submissions (2):

University of Washington Department of Laboratory Medicine, University of Washington
Classification: Likely benign for Hereditary cancer-predisposing syndrome. Last evaluated: 2023-03-23. Review status: criteria provided, single submitter. Criteria: Dines et al. (Genet Med. 2020). Collection method: curation. Allele origin: germline.
Comment: Missense variant in a coldspot region where missense variants are very unlikely to be pathogenic (PMID:31911673).

BRCA2 exon 11 coldspot. Reclassification based on statistical prior probability.

Labcorp Genetics (formerly Invitae), Labcorp
Classification: Uncertain significance for Hereditary breast ovarian cancer syndrome. Last evaluated: 2020-09-05. Review status: criteria provided, single submitter. Criteria: Invitae Variant Classification Sherloc (09022015). Collection method: clinical testing. Allele origin: germline.
Comment: In summary, the available evidence is currently insufficient to determine the role of this variant in disease. Therefore, it has been classified as a Variant of Uncertain Significance. Advanced modeling of protein sequence and biophysical properties (such as structural, functional, and spatial information, amino acid conservation, physicochemical variation, residue mobility, and thermodynamic stability) performed at Invitae indicates that this missense variant is not expected to disrupt BRCA2 protein function. This variant has been observed in individual(s) with breast cancer (PMID: 26010302). This variant is not present in population databases (ExAC no frequency). This sequence change replaces methionine with threonine at codon 2262 of the BRCA2 protein (p.Met2262Thr). The methionine residue is weakly conserved and there is a moderate physicochemical difference between methionine and threonine.

Literature cited by the submitters: PubMed 26010302 (cited by Labcorp Genetics (formerly Invitae), Labcorp).

NM_000059.4(BRCA2):c.6785T>C (p.Met2262Thr)

Gene: BRCA2 (BRCA2 DNA repair associated; plus strand). Cytogenetic location: 13q13.1.
Variant type: single nucleotide variant.
Coding change: c.6785T>C on transcript NM_000059.4 (MANE Select); coding-DNA position 6785, T replaced by C.
Protein change: p.Met2262Thr; replaces methionine 2262 with threonine.
Molecular consequence: missense variant.
Genome position (GRCh38, 1-based): chr13:32,341,140, T>C. VCF-style: chr13-32341140-T-C. GRCh37 (hg19) VCF-style: chr13-32915277-T-C.
Other names: short protein forms M2262T.
Identifiers: ClinVar variation 1059374 (VCV001059374.10), dbSNP rs80358904, ClinGen allele CA387791287.
Genomic context (GRCh38, chr13:32,341,140, plus strand): 5'-ATTCTAAACTGCCAAGTCATGCCACACATTCTCTTTTTACATGTCCCGAAAATGAGGAAA[T>C]GGTTTTGTCAAATTCAAGAATTGGAAAAAGAAGAGGAGAGCCCCTTATCTTAGTGGGTAA-3'
Protein context (NP_000050.3, residues 2252-2272): SLFTCPENEE[Met2262Thr]VLSNSRIGKR